The following is an entry in ClinVar:

ClinVar aggregate classification (germline): Uncertain significance (1 of 4 stars; one submission).

Conditions:
Cardiac arrhythmia. Also called: Arrhythmia; Cardiac rhythm disease. Identifiers: MedGen C0003811, MONDO:0007263, HP:0011675.

gnomAD v4.1: 1 of 1,614,028 alleles (0.000062%); highest among the groups gnomAD compares: Non-Finnish European, 0.000085%; no homozygotes.

Submission:

Labcorp Genetics (formerly Invitae), Labcorp
Classification: Uncertain significance for Cardiac arrhythmia. Last evaluated: 2025-06-22. Review status: criteria provided, single submitter. Criteria: Invitae Variant Classification Sherloc (09022015). Collection method: clinical testing. Allele origin: germline.
Comment: This sequence change replaces glutamic acid, which is acidic and polar, with glycine, which is neutral and non-polar, at codon 83 of the RANGRF protein (p.Glu83Gly). This variant is not present in population databases (gnomAD no frequency). This variant has not been reported in the literature in individuals affected with RANGRF-related conditions. An algorithm developed to predict the effect of missense changes on protein structure and function (PolyPhen-2) suggests that this variant is likely to be tolerated. Algorithms developed to predict the effect of sequence changes on RNA splicing suggest that this variant may disrupt the consensus splice site. In summary, the available evidence is currently insufficient to determine the role of this variant in disease. Therefore, it has been classified as a Variant of Uncertain Significance.

NM_016492.5(RANGRF):c.248A>G (p.Glu83Gly)

Genes: RANGRF (RAN guanine nucleotide release factor; plus strand), SLC25A35 (solute carrier family 25 member 35; minus strand). Cytogenetic location: 17p13.1.
Variant type: single nucleotide variant.
Coding change: c.248A>G on transcript NM_016492.5 (MANE Select); coding-DNA position 248, A replaced by G.
Protein change: p.Glu83Gly; replaces glutamic acid 83 with glycine.
Molecular consequence: missense variant. On other transcripts: 3 prime UTR variant (2), non-coding transcript variant (2), intron variant (1).
Genome position (GRCh38, 1-based): chr17:8,289,311, A>G. VCF-style: chr17-8289311-A-G. GRCh37 (hg19) VCF-style: chr17-8192629-A-G.
Other names: c.248A>G, p.Glu83Gly (NM_001177801.2, NM_001177802.2, NM_001330127.2); c.*172T>C (NM_001320872.2); c.*305T>C (NM_201520.3); c.*42+263T>C (NM_001320871.2); short protein forms E83G.
Identifiers: ClinVar variation 4754622 (VCV004754622.1).
Genomic context (GRCh38, chr17:8,289,311, plus strand): 5'-ACTCCAGGTACCACTTTGAGGATGTTGGTGGCGTGCAGGGGGCTAGGGCTGTCCATGTGG[A>G]GTCTGTTCAGCCTCTCAGTTTGGAGAACCTGGCCCTGAGGGGCCGCTGTCAAGAAGCCTG-3'
Protein context (NP_057576.2, residues 73-93): GVQGARAVHV[Glu83Gly]SVQPLSLENL